The following is an entry in ClinVar:

ClinVar aggregate classification (germline): Uncertain significance. Review status: criteria provided, multiple submitters, no conflicts (2 of 4 stars). 9 submissions from 8 submitters: Uncertain significance (9). Last evaluated 2025-09-04.

Conditions:
Congenital multicore myopathy with external ophthalmoplegia (CMYO1B). Also called: MULTICORE MYOPATHY; MULTIMINICORE DISEASE WITH EXTERNAL OPHTHALMOPLEGIA; Congenital myopathy 1B, autosomal recessive; Minicore myopathy; Minicore myopathy with external ophthalmoplegia. Identifiers: Orphanet 598, Orphanet 98905, MedGen C1850674, MONDO:0009712, OMIM 255320, HP:0003789.
Malignant hyperthermia, susceptibility to, 1 (MHS1). Also called: RYR1-Related Malignant Hyperthermia Susceptibility; Anesthesia related hyperthermia; Malignant hyperpyrexia; Fulminating hyperpyrexia; Pharmacogenic myopathy; Malignant hyperthermia suceptibility 1. Identifiers: Orphanet 423, MedGen C2930980, MONDO:0007783, OMIM 145600.
RYR1-related disorder. Also called: RYR1-related disorders; RYR1-related condition. Identifiers: MedGen CN239331.
Hereditary skeletal muscle disorder. Identifiers: MedGen CN324038, MONDO:0700223.
Inborn genetic diseases. Identifiers: MedGen C0950123, MeSH D030342.

Allele frequency attached by ClinVar (database versions not stated): gnomAD exomes 0.00002 and 0.00005; TOPMed 0.00003; gnomAD 0.00004; ExAC 0.00007.
gnomAD v4.1: 39 of 1,614,046 alleles (0.0024%); highest among the groups gnomAD compares: Admixed American, 0.03%; no homozygotes.

Submissions (9):

Women's Health and Genetics/Laboratory Corporation of America, LabCorp
Classification: Uncertain significance. Last evaluated: 2025-09-04. Review status: criteria provided, single submitter. Criteria: LabCorp Variant Classification Summary - May 2015. Collection method: clinical testing. Allele origin: germline.
Comment: Variant summary: RYR1 c.3548T>C (p.Ile1183Thr) results in a non-conservative amino acid change in the encoded protein sequence. Algorithms developed to predict the effect of missense changes on protein structure and function are either unavailable or do not agree on the potential impact of this missense change. The variant allele was found at a frequency of 5.2e-05 in 251448 control chromosomes. This frequency is not significantly higher than estimated for disease-causing variants in RYR1, allowing no conclusion about variant significance. To our knowledge, no occurrence of c.3548T>C in individuals affected with RYR1-related conditions and no experimental evidence demonstrating its impact on protein function have been reported. ClinVar contains an entry for this variant (Variation ID: 581666). Based on the evidence outlined above, the variant was classified as uncertain significance.

All of Us Research Program, National Institutes of Health
Classification: Uncertain significance for Malignant hyperthermia, susceptibility to, 1. Last evaluated: 2024-09-17. Review status: criteria provided, single submitter. Criteria: ACMG Guidelines, 2015. Collection method: clinical testing. Allele origin: germline. Inheritance: Autosomal dominant inheritance. Observed: 12 variant alleles, 12 heterozygotes.
Comment: This missense variant replaces isoleucine with threonine at codon 1183 of the RYR1 protein. Computational prediction suggests that this variant may not impact protein structure and function (internally defined REVEL score threshold <= 0.5, PMID: 27666373). To our knowledge, functional studies have not been reported for this variant. This variant has not been reported in individuals affected with RYR1-related disorders in the literature. This variant has been identified in 16/282848 chromosomes in the general population by the Genome Aggregation Database (gnomAD). The available evidence is insufficient to determine the role of this variant in disease conclusively. Therefore, this variant is classified as a Variant of Uncertain Significance.

This study involves interpretation of variants in research participants for the purpose of population health screening. Participant phenotype was not available at the time of variant classification. Additional details can be found in publication PMID: 35346344, PMCID: PMC8962531

Revvity Omics, Revvity
Classification: Uncertain significance. Last evaluated: 2024-06-18. Review status: criteria provided, single submitter. Criteria: ACMG Guidelines, 2015. Collection method: clinical testing. Allele origin: germline.

Color Diagnostics, LLC DBA Color Health
Classification: Uncertain significance for Malignant hyperthermia, susceptibility to, 1. Last evaluated: 2024-04-23. Review status: criteria provided, single submitter. Criteria: ACMG Guidelines, 2015. Collection method: clinical testing. Allele origin: germline.
Comment: This missense variant replaces isoleucine with threonine at codon 1183 of the RYR1 protein. Computational prediction suggests that this variant may not impact protein structure and function. To our knowledge, functional studies have not been reported for this variant. This variant has not been reported in individuals affected with RYR1-related disorders in the literature. This variant has been identified in 16/282848 chromosomes in the general population by the Genome Aggregation Database (gnomAD). The available evidence is insufficient to determine the role of this variant in disease conclusively. Therefore, this variant is classified as a Variant of Uncertain Significance.

Ambry Genetics
Classification: Uncertain significance for Inborn genetic diseases. Last evaluated: 2023-12-28. Review status: criteria provided, single submitter. Criteria: Ambry Variant Classification Scheme 2023. Collection method: clinical testing. Allele origin: germline.

Labcorp Genetics (formerly Invitae), Labcorp
Classification: Uncertain significance for RYR1-related disorder. Last evaluated: 2022-07-19. Review status: criteria provided, single submitter. Criteria: Invitae Variant Classification Sherloc (09022015). Collection method: clinical testing. Allele origin: germline.
Comment: This sequence change replaces isoleucine, which is neutral and non-polar, with threonine, which is neutral and polar, at codon 1183 of the RYR1 protein (p.Ile1183Thr). This variant is present in population databases (rs761386401, gnomAD 0.02%). This variant has not been reported in the literature in individuals affected with RYR1-related conditions. ClinVar contains an entry for this variant (Variation ID: 581666). Advanced modeling of protein sequence and biophysical properties (such as structural, functional, and spatial information, amino acid conservation, physicochemical variation, residue mobility, and thermodynamic stability) performed at Invitae indicates that this missense variant is not expected to disrupt RYR1 protein function. In summary, the available evidence is currently insufficient to determine the role of this variant in disease. Therefore, it has been classified as a Variant of Uncertain Significance.

Cambridge Genomics Laboratory, East Genomic Laboratory Hub, NHS Genomic Medicine Service
Classification: Uncertain significance for Hereditary skeletal muscle disorder. Last evaluated: 2019-04-17. Review status: criteria provided, single submitter. Criteria: ACGS Best Practice Guidelines for Variant Classification in Rare Disease 2020. Collection method: clinical testing. Allele origin: germline. Affected: yes. Observed: 1 variant allele.

Illumina Laboratory Services, Illumina
Classification: Uncertain significance for Congenital multicore myopathy with external ophthalmoplegia. Last evaluated: 2018-01-12. Review status: criteria provided, single submitter. Criteria: ICSL Variant Classification Criteria 13 December 2019. Collection method: clinical testing. Allele origin: germline.

Illumina Laboratory Services, Illumina
Classification: Uncertain significance for Malignant hyperthermia, susceptibility to, 1. Last evaluated: 2018-01-12. Review status: criteria provided, single submitter. Criteria: ICSL Variant Classification Criteria 13 December 2019. Collection method: clinical testing. Allele origin: germline.

NM_000540.3(RYR1):c.3548T>C (p.Ile1183Thr)

Gene: RYR1 (ryanodine receptor 1; plus strand). Cytogenetic location: 19q13.2.
Variant type: single nucleotide variant.
Coding change: c.3548T>C on transcript NM_000540.3 (MANE Select); coding-DNA position 3548, T replaced by C.
Protein change: p.Ile1183Thr; replaces isoleucine 1183 with threonine.
Molecular consequence: missense variant.
Genome position (GRCh38, 1-based): chr19:38,469,132, T>C. VCF-style: chr19-38469132-T-C. GRCh37 (hg19) VCF-style: chr19-38959772-T-C.
Other names: c.3548T>C, p.Ile1183Thr (NM_001042723.2); short protein forms I1183T.
Identifiers: ClinVar variation 581666 (VCV000581666.13), dbSNP rs761386401, ClinGen allele CA064982.